The following is an entry in ClinVar:

NM_000532.5(PCCB):c.119A>G (p.Glu40Gly)

Gene: PCCB (propionyl-CoA carboxylase subunit beta; plus strand). Cytogenetic location: 3q22.3.
Variant type: single nucleotide variant.
Coding change: c.119A>G on transcript NM_000532.5 (MANE Select); coding-DNA position 119, A replaced by G.
Protein change: p.Glu40Gly; replaces glutamic acid 40 with glycine.
Molecular consequence: missense variant.
Genome position (GRCh38, 1-based): chr3:136,250,494, A>G. VCF-style: chr3-136250494-A-G. GRCh37 (hg19) VCF-style: chr3-135969336-A-G.
Other names: c.119A>G, p.Glu40Gly (NM_001178014.2); short protein forms E40G.
Identifiers: ClinVar variation 2177668 (VCV002177668.1), dbSNP rs755889266, ClinGen allele CA2631576.

ClinVar aggregate classification (germline): Uncertain significance (1 of 4 stars; one submission).

Conditions:
Propionic acidemia (PROP). Also called: GLYCINEMIA, KETOTIC; HYPERGLYCINEMIA WITH KETOACIDOSIS AND LEUKOPENIA; KETOTIC HYPERGLYCINEMIA. Identifiers: Orphanet 35, MedGen C0268579, MONDO:0011628, OMIM 606054, HP:0003571.

Allele frequency attached by ClinVar (database versions not stated): TOPMed 0.00001; ExAC 0.00002.
gnomAD v4.1: 3 of 1,612,996 alleles (0.00019%); highest among the groups gnomAD compares: Admixed American, 0.005%; no homozygotes.

Submission:

Labcorp Genetics (formerly Invitae), Labcorp
Classification: Uncertain significance for Propionic acidemia. Last evaluated: 2022-10-17. Review status: criteria provided, single submitter. Criteria: Invitae Variant Classification Sherloc (09022015). Collection method: clinical testing. Allele origin: germline.
Comment: This sequence change replaces glutamic acid, which is acidic and polar, with glycine, which is neutral and non-polar, at codon 40 of the PCCB protein (p.Glu40Gly). This variant is present in population databases (rs755889266, gnomAD 0.006%). This variant has not been reported in the literature in individuals affected with PCCB-related conditions. Advanced modeling of protein sequence and biophysical properties (such as structural, functional, and spatial information, amino acid conservation, physicochemical variation, residue mobility, and thermodynamic stability) has been performed at Invitae for this missense variant, however the output from this modeling did not meet the statistical confidence thresholds required to predict the impact of this variant on PCCB protein function. In summary, the available evidence is currently insufficient to determine the role of this variant in disease. Therefore, it has been classified as a Variant of Uncertain Significance.